The following is an entry in ClinVar:

NM_001378454.1(ALMS1):c.2236A>G (p.Thr746Ala)

Gene: ALMS1 (ALMS1 centrosome and basal body associated protein; plus strand). Cytogenetic location: 2p13.1.
Variant type: single nucleotide variant.
Coding change: c.2236A>G on transcript NM_001378454.1 (MANE Select); coding-DNA position 2236, A replaced by G.
Protein change: p.Thr746Ala; replaces threonine 746 with alanine.
Molecular consequence: missense variant.
Genome position (GRCh38, 1-based): chr2:73,448,763, A>G. VCF-style: chr2-73448763-A-G. GRCh37 (hg19) VCF-style: chr2-73675890-A-G.
Other names: c.2239A>G, p.Thr747Ala (NM_015120.4); short protein forms T746A, T747A.
Identifiers: ClinVar variation 1392169 (VCV001392169.3), dbSNP rs1339477380, ClinGen allele CA347267346.
Genomic context (GRCh38, chr2:73,448,763, plus strand): 5'-TACCAACAAGAGTTCGCAGACAGTCATCAAACTGAAGAGACTCTTACTAAAGTTTCAGCC[A>G]CTCCTGGACCAGCTGACCAGAAGACTGAGATACCAGCAGTACAGTCTAGTTCTTACTCAC-3'
Protein context (NP_001365383.1, residues 736-756): TEETLTKVSA[Thr746Ala]PGPADQKTEI

ClinVar aggregate classification (germline): Uncertain significance (1 of 4 stars; one submission).

Conditions:
Alstrom syndrome (ALMS). Identifiers: Orphanet 64, MedGen C0268425, MONDO:0008763, OMIM 203800.

Allele frequency attached by ClinVar (database versions not stated): TOPMed below 0.00001; gnomAD 0.00001; gnomAD exomes 0.00001.
gnomAD v4.1: 6 of 1,613,384 alleles (0.00037%); highest among the groups gnomAD compares: Non-Finnish European, 0.00051%; no homozygotes.

Submission:

Labcorp Genetics (formerly Invitae), Labcorp
Classification: Uncertain significance for Alstrom syndrome. Last evaluated: 2022-05-06. Review status: criteria provided, single submitter. Criteria: Invitae Variant Classification Sherloc (09022015). Collection method: clinical testing. Allele origin: germline.
Comment: This sequence change replaces threonine, which is neutral and polar, with alanine, which is neutral and non-polar, at codon 747 of the ALMS1 protein (p.Thr747Ala). This variant is not present in population databases (gnomAD no frequency). This variant has not been reported in the literature in individuals affected with ALMS1-related conditions. Experimental studies and prediction algorithms are not available or were not evaluated, and the functional significance of this variant is currently unknown. In summary, the available evidence is currently insufficient to determine the role of this variant in disease. Therefore, it has been classified as a Variant of Uncertain Significance.